The following is an entry in ClinVar:

ClinVar aggregate classification (germline): Conflicting classifications of pathogenicity. Review status: criteria provided, conflicting classifications (1 of 4 stars). 6 submissions from 6 submitters: Uncertain significance (5); Benign (1). Last evaluated 2026-06-09.

Conditions:
Hereditary cancer-predisposing syndrome. Also called: Tumor predisposition; Hereditary neoplastic syndrome; Neoplastic Syndromes, Hereditary; Hereditary Cancer Syndrome. Identifiers: Orphanet 140162, MedGen C0027672, MeSH D009386, MONDO:0015356.
Tuberous sclerosis syndrome (TSC). Also called: Tuberous Sclerosis Complex; Tuberous sclerosis. Identifiers: Orphanet 805, MedGen C0041341, MONDO:0001734.
Tuberous sclerosis 1 (TSC1). Identifiers: Orphanet 805, MedGen C1854465, MONDO:0008612, OMIM 191100.
Isolated focal cortical dysplasia type II (FCORD2). Also called: Focal cortical dysplasia type II; CORTICAL DYSPLASIA OF TAYLOR. Identifiers: Orphanet 268994, MedGen C1846385, MONDO:0011818, OMIM 607341, HP:0032051.

Allele frequency attached by ClinVar (database versions not stated): ExAC 0.00001.

Submissions (6):

Ambry Genetics
Classification: Benign for Hereditary cancer-predisposing syndrome. Last evaluated: 2026-06-09. Review status: criteria provided, single submitter. Criteria: Ambry Variant Classification Scheme 2023. Collection method: clinical testing. Allele origin: germline.

Labcorp Genetics (formerly Invitae), Labcorp
Classification: Uncertain significance for Tuberous sclerosis 1. Last evaluated: 2025-06-29. Review status: criteria provided, single submitter. Criteria: Invitae Variant Classification Sherloc (09022015). Collection method: clinical testing. Allele origin: germline.
Comment: This sequence change replaces methionine, which is neutral and non-polar, with isoleucine, which is neutral and non-polar, at codon 1004 of the TSC1 protein (p.Met1004Ile). This variant is present in population databases (rs751970451, gnomAD 0.0009%). This variant has not been reported in the literature in individuals affected with TSC1-related conditions. ClinVar contains an entry for this variant (Variation ID: 486596). Invitae Evidence Modeling of protein sequence and biophysical properties (such as structural, functional, and spatial information, amino acid conservation, physicochemical variation, residue mobility, and thermodynamic stability) indicates that this missense variant is not expected to disrupt TSC1 protein function with a negative predictive value of 95%. In summary, the available evidence is currently insufficient to determine the role of this variant in disease. Therefore, it has been classified as a Variant of Uncertain Significance.

Baylor Genetics
Classification: Uncertain significance for Isolated focal cortical dysplasia type II. Last evaluated: 2024-03-27. Review status: criteria provided, single submitter. Criteria: ACMG Guidelines, 2015. Collection method: clinical testing. Allele origin: unknown.

GeneDx
Classification: Uncertain significance. Last evaluated: 2023-07-07. Review status: criteria provided, single submitter. Criteria: GeneDx Variant Classification Process June 2021. Collection method: clinical testing. Allele origin: germline. Affected: yes.
Comment: Not observed at significant frequency in large population cohorts (gnomAD); In silico analysis supports that this missense variant does not alter protein structure/function; Observed in an individual with clear cell renal carcinoma (Yehia et al., 2018); This variant is associated with the following publications: (PMID: 29684080)

All of Us Research Program, National Institutes of Health
Classification: Uncertain significance for Tuberous sclerosis syndrome. Last evaluated: 2023-06-28. Review status: criteria provided, single submitter. Criteria: ACMG Guidelines, 2015. Collection method: clinical testing. Allele origin: germline. Inheritance: Autosomal dominant inheritance. Observed: 1 variant allele, 1 heterozygote.
Comment: This study involves interpretation of variants in research participants for the purpose of population health screening. Participant phenotype was not available at the time of variant classification. Additional details can be found in publication PMID: 35346344, PMCID: PMC8962531

Genome-Nilou Lab
Classification: Uncertain significance for Tuberous sclerosis 1. Last evaluated: 2021-11-07. Review status: criteria provided, single submitter. Criteria: ACMG Guidelines, 2015. Collection method: clinical testing. Allele origin: germline. Affected: no.

Literature cited by the submitters: PubMed 29684080 (cited by Ambry Genetics).

NM_000368.5(TSC1):c.3012G>A (p.Met1004Ile)

Gene: TSC1 (TSC complex subunit 1; minus strand). Cytogenetic location: 9q34.13.
Variant type: single nucleotide variant.
Coding change: c.3012G>A on transcript NM_000368.5 (MANE Select); coding-DNA position 3012, G replaced by A.
Protein change: p.Met1004Ile; replaces methionine 1004 with isoleucine.
Molecular consequence: missense variant.
Genome position (GRCh38, 1-based): chr9:132,896,718, C>T on the plus strand (G>A on the coding strand, the complement: TSC1 is on the minus strand). VCF-style: chr9-132896718-C-T. GRCh37 (hg19) VCF-style: chr9-135772105-C-T.
Other names: c.3009G>A, p.Met1003Ile (NM_001162426.2); c.2859G>A, p.Met953Ile (NM_001162427.2); c.2649G>A, p.Met883Ile (NM_001362177.2); short protein forms M1004I, M1003I, M953I, M883I.
Identifiers: ClinVar variation 486596 (VCV000486596.20), dbSNP rs751970451, ClinGen allele CA035614.